The following is an entry in ClinVar:

NM_004336.5(BUB1):c.828G>C (p.Met276Ile)

Gene: BUB1 (BUB1 mitotic checkpoint serine/threonine kinase; minus strand). Cytogenetic location: 2q13.
Variant type: single nucleotide variant.
Coding change: c.828G>C on transcript NM_004336.5 (MANE Select); coding-DNA position 828, G replaced by C.
Protein change: p.Met276Ile; replaces methionine 276 with isoleucine.
Molecular consequence: missense variant.
Genome position (GRCh38, 1-based): chr2:110,666,392, C>G on the plus strand (G>C on the coding strand, the complement: BUB1 is on the minus strand). VCF-style: chr2-110666392-C-G. GRCh37 (hg19) VCF-style: chr2-111423969-C-G.
Other names: c.768G>C, p.Met256Ile (NM_001278616.2); c.828G>C, p.Met276Ile (NM_001278617.2); short protein forms M256I, M276I.
Identifiers: ClinVar variation 2446966 (VCV002446966.2), dbSNP rs2468026091, ClinGen allele CA348216948.
Genomic context (GRCh38, chr2:110,666,392, plus strand): 5'-AAGTTCATCCATTTTCTGTTTTAATAGCTGTTCTTCAAAAGCATTTGCTTCTTTCCTTTT[C>G]ATATAATGTCTGTCTTCATTTACTTTAGGAAAGATAGAAATGGTTTGCATGCAAAATTTA-3'
Protein context (NP_004327.1, residues 266-286): EQWVNEDRHY[Met276Ile]KRKEANAFEE

ClinVar aggregate classification (germline): Uncertain significance (1 of 4 stars; one submission).

Submission:

Ambry Genetics
Classification: Uncertain significance. Last evaluated: 2023-02-05. Review status: criteria provided, single submitter. Criteria: Ambry Variant Classification Scheme 2023. Collection method: clinical testing. Allele origin: germline.
Comment: The p.M276I variant (also known as c.828G>C), located in coding exon 9 of the BUB1 gene, results from a G to C substitution at nucleotide position 828. The methionine at codon 276 is replaced by isoleucine, an amino acid with highly similar properties. This amino acid position is conserved. In addition, this alteration is predicted to be tolerated by in silico analysis. Since supporting evidence is limited at this time, the clinical significance of this alteration remains unclear.